The following is an entry in ClinVar:

NM_000969.5(RPL5):c.639AGA[1] (p.Glu214del)

Genes: DIPK1A (divergent protein kinase domain 1A; minus strand), RPL5 (ribosomal protein L5; plus strand). Cytogenetic location: 1p22.1.
Variant type: Microsatellite.
Coding change: c.639AGA[1] on transcript NM_000969.5 (MANE Select); one copy of the 3-base unit AGA starting at c.639; the reference has two copies in a row; one copy, 3 bases deleted.
Protein change: p.Glu214del; deletes glutamic acid 214.
Molecular consequence: inframe deletion. On other transcripts: non-coding transcript variant (1), intron variant (1).
Genome position (GRCh38, 1-based): chr1:92,837,570-92,837,572, AGA deleted; deleting any 3 consecutive bases within chr1:92,837,565-92,837,572 gives the same sequence; the position shown is the placement nearest the transcript's 3' end. VCF-style (leftmost placement, unchanged base first): chr1-92837564-GGAA-G. GRCh37 (hg19) VCF-style: chr1-93303121-GGAA-G.
Other names: c.475-4533_475-4531del (NM_001252273.2); short protein forms E214del.
Identifiers: ClinVar variation 3630434 (VCV003630434.2).

ClinVar aggregate classification (germline): Uncertain significance (1 of 4 stars; one submission).

Conditions:
Diamond-Blackfan anemia. Also called: Blackfan Diamond syndrome; Aregenerative anemia chronic congenital; Red cell aplasia, pure hereditary; Congenital hypoplastic anemia; Aase syndrome. Identifiers: Orphanet 124, MedGen C1260899, MeSH D029503, MONDO:0015253, HP:0004810.

Submission:

Labcorp Genetics (formerly Invitae), Labcorp
Classification: Uncertain significance for Diamond-Blackfan anemia. Last evaluated: 2024-11-05. Review status: criteria provided, single submitter. Criteria: Invitae Variant Classification Sherloc (09022015). Collection method: clinical testing. Allele origin: germline.
Comment: This variant, c.642_644del, results in the deletion of 1 amino acid(s) of the RPL5 protein (p.Glu214del), but otherwise preserves the integrity of the reading frame. This variant is not present in population databases (gnomAD no frequency). This variant has not been reported in the literature in individuals affected with RPL5-related conditions. Experimental studies and prediction algorithms are not available or were not evaluated, and the functional significance of this variant is currently unknown. In summary, the available evidence is currently insufficient to determine the role of this variant in disease. Therefore, it has been classified as a Variant of Uncertain Significance.